The following is an entry in ClinVar:

NM_020695.4(REXO1):c.640C>T (p.Arg214Cys)

Gene: REXO1 (RNA exonuclease 1 homolog; minus strand). Cytogenetic location: 19p13.3.
Variant type: single nucleotide variant.
Coding change: c.640C>T on transcript NM_020695.4 (MANE Select); coding-DNA position 640, C replaced by T.
Protein change: p.Arg214Cys; replaces arginine 214 with cysteine.
Molecular consequence: missense variant.
Genome position (GRCh38, 1-based): chr19:1,828,149, G>A on the plus strand (C>T on the coding strand, the complement: REXO1 is on the minus strand). VCF-style: chr19-1828149-G-A. GRCh37 (hg19) VCF-style: chr19-1828148-G-A.
Other names: short protein forms R214C.
Identifiers: ClinVar variation 2648948 (VCV002648948.24), dbSNP rs77108843, ClinGen allele CA9053728.

ClinVar aggregate classification (germline): Likely benign (1 of 4 stars; one submission).

Allele frequency attached by ClinVar (database versions not stated): 1000 Genomes Project 30x 0.00172; 1000 Genomes Project 0.00180; TOPMed 0.00411; gnomAD 0.00453; ExAC 0.00642; ESP Exome Variant Server 0.00653; gnomAD exomes 0.00691.

Submission:

CeGaT Center for Human Genetics Tuebingen
Classification: Likely benign. Last evaluated: 2025-06-01. Review status: criteria provided, single submitter. Criteria: CeGaT Center For Human Genetics Tuebingen Variant Classification Criteria Version 2. Collection method: clinical testing. Allele origin: germline. Affected: yes. Observed: 2 variant alleles.
Comment: REXO1: BP4, BS2